The following is an entry in ClinVar:

ClinVar aggregate classification (germline): Uncertain significance (1 of 4 stars; one submission).

Allele frequency attached by ClinVar (database versions not stated): gnomAD exomes below 0.00001.
gnomAD v4.1: 4 of 1,610,248 alleles (0.00025%); highest among the groups gnomAD compares: South Asian, 0.0011%; no homozygotes.

Submission:

GeneDx
Classification: Uncertain significance. Last evaluated: 2022-12-28. Review status: criteria provided, single submitter. Criteria: GeneDx Variant Classification Process June 2021. Collection method: clinical testing. Allele origin: germline. Affected: yes.
Comment: Not observed at significant frequency in large population cohorts (gnomAD); In silico analysis supports that this missense variant has a deleterious effect on protein structure/function; Has not been previously published as pathogenic or benign to our knowledge

NM_003718.5(CDK13):c.2056C>T (p.Arg686Cys)

Gene: CDK13 (cyclin dependent kinase 13; plus strand). Cytogenetic location: 7p14.1.
Variant type: single nucleotide variant.
Coding change: c.2056C>T on transcript NM_003718.5 (MANE Select); coding-DNA position 2056, C replaced by T.
Protein change: p.Arg686Cys; replaces arginine 686 with cysteine.
Molecular consequence: missense variant.
Genome position (GRCh38, 1-based): chr7:39,999,374, C>T. VCF-style: chr7-39999374-C-T. GRCh37 (hg19) VCF-style: chr7-40038973-C-T.
Other names: c.2056C>T, p.Arg686Cys (NM_031267.4); short protein forms R686C.
Identifiers: ClinVar variation 2507215 (VCV002507215.1), dbSNP rs2116317456, ClinGen allele CA367287983.